The following is an entry in ClinVar:

ClinVar aggregate classification (germline): Likely pathogenic (1 of 4 stars; one submission).

Conditions:
Tuberous sclerosis syndrome (TSC). Also called: Tuberous Sclerosis Complex; Tuberous sclerosis. Identifiers: Orphanet 805, MedGen C0041341, MONDO:0001734.

Submission:

GeniaGeo, Laboratorio Genia
Classification: Likely pathogenic for Tuberous sclerosis complex. Last evaluated: 2017-10-04. Review status: criteria provided, single submitter. Criteria: ACMG Guidelines, 2015. Collection method: clinical testing. Allele origin: germline. Inheritance: Autosomal dominant inheritance. Affected: yes. Observed: 1 variant allele, 1 heterozygote.
Comment: Frameshift with STOP codon, novel to our knowledge

NM_000368.5(TSC1):c.1698_1704delinsGC (p.Ala567fs)

Gene: TSC1 (TSC complex subunit 1; minus strand). Cytogenetic location: 9q34.13.
Variant type: Indel.
Coding change: c.1698_1704delinsGC on transcript NM_000368.5 (MANE Select); coding-DNA positions 1698 to 1704, TGCGGGA replaced by GC.
Protein change: p.Ala567fs; shifts the reading frame from alanine 567.
Molecular consequence: frameshift variant.
Genome position (GRCh38, 1-based): chr9:132,905,874-132,905,880, TCCCGCA replaced by GC on the plus strand (TGCGGGA replaced by GC on the coding strand, the reverse complement: TSC1 is on the minus strand). VCF-style: chr9-132905874-TCCCGCA-GC. GRCh37 (hg19) VCF-style: chr9-135781261-TCCCGCA-GC.
Other names: c.1695_1701delinsGC, p.Ala566fs (NM_001162426.2); c.1545_1551delinsGC, p.Ala516fs (NM_001162427.2); c.1335_1341delinsGC, p.Ala446fs (NM_001362177.2); c.1698_1704delTGCGGGAinsGC (NM_000368.4); short protein forms A446fs, A516fs, A566fs, A567fs.
Identifiers: ClinVar variation 440863 (VCV000440863.2), dbSNP rs1554815914, ClinGen allele CA645509435.